The following is an entry in ClinVar:

NM_001220.5(CAMK2B):c.1125C>A (p.Ala375=)

Gene: CAMK2B (calcium/calmodulin dependent protein kinase II beta; minus strand). Cytogenetic location: 7p13.
Variant type: single nucleotide variant.
Coding change: c.1125C>A on transcript NM_001220.5 (MANE Select); coding-DNA position 1125, C replaced by A.
Protein change: p.Ala375=; no amino-acid change (alanine 375 retained).
Molecular consequence: synonymous variant. On other transcripts: intron variant (3).
Genome position (GRCh38, 1-based): chr7:44,234,396, G>T on the plus strand (C>A on the coding strand, the complement: CAMK2B is on the minus strand). VCF-style: chr7-44234396-G-T. GRCh37 (hg19) VCF-style: chr7-44273995-G-T.
Other names: c.1125C>A, p.Ala375= (NM_001293170.2, NM_172078.3); c.1053C>A, p.Ala351= (NM_172079.3, NM_172081.3); c.1050C>A, p.Ala350= (NM_172080.3); c.946+6311C>A (NM_172084.3); c.987+243C>A (NM_172083.3); c.1059+243C>A (NM_172082.3).
Identifiers: ClinVar variation 1969247 (VCV001969247.7), dbSNP rs751452921, ClinGen allele CA4240471.

ClinVar aggregate classification (germline): Likely benign. Review status: criteria provided, multiple submitters, no conflicts (2 of 4 stars). 2 submissions from 2 submitters: Likely benign (2). Last evaluated 2026-04-01.

gnomAD v4.1: 21 of 1,525,970 alleles (0.0014%); highest among the groups gnomAD compares: Non-Finnish European, 0.0018%; no homozygotes.

Submissions (2):

CeGaT Center for Human Genetics Tuebingen
Classification: Likely benign. Last evaluated: 2026-04-01. Review status: criteria provided, single submitter. Criteria: CeGaT Center For Human Genetics Tuebingen Variant Classification Criteria Version 2. Collection method: clinical testing. Allele origin: germline. Affected: yes. Observed: 1 variant allele.
Comment: CAMK2B: BP4, BP7

Labcorp Genetics (formerly Invitae), Labcorp
Classification: Likely benign. Last evaluated: 2025-12-13. Review status: criteria provided, single submitter. Criteria: Invitae Variant Classification Sherloc (09022015). Collection method: clinical testing. Allele origin: germline.